The following is an entry in ClinVar:

NM_001145026.2(PTPRQ):c.3756C>T (p.Ile1252=)

Gene: PTPRQ (protein tyrosine phosphatase receptor type Q; plus strand). Cytogenetic location: 12q21.31.
Variant type: single nucleotide variant.
Coding change: c.3756C>T on transcript NM_001145026.2 (MANE Select); coding-DNA position 3756, C replaced by T.
Protein change: p.Ile1252=; no amino-acid change (isoleucine 1252 retained).
Molecular consequence: synonymous variant.
Genome position (GRCh38, 1-based): chr12:80,542,764, C>T. VCF-style: chr12-80542764-C-T. GRCh37 (hg19) VCF-style: chr12-80936543-C-T.
Identifiers: ClinVar variation 4681964 (VCV004681964.5).
Genomic context (GRCh38, chr12:80,542,764, plus strand): 5'-AAGTTTCTTCATGTGTTTTCCTACAGTGCCGTTAGCACCTCCACAAAATTTGACTTTAAT[C>T]AACTGTACTTCAGACTTTGTATGGCTGAAATGGAGCCCAAGTCCTCTTCCAGGTGGTATT-3'
Protein context (NP_001138498.1, residues 1242-1262): PLAPPQNLTL[Ile1252=]NCTSDFVWLK

ClinVar aggregate classification (germline): Uncertain significance (1 of 4 stars; one submission).

Submission:

CeGaT Center for Human Genetics Tuebingen
Classification: Uncertain significance. Last evaluated: 2025-12-01. Review status: criteria provided, single submitter. Criteria: CeGaT Center For Human Genetics Tuebingen Variant Classification Criteria Version 2. Collection method: clinical testing. Allele origin: germline. Affected: yes. Observed: 1 variant allele.
Comment: PTPRQ: PM2:Supporting